The following is an entry in ClinVar:

ClinVar aggregate classification (germline): Likely benign (1 of 4 stars; one submission).

Conditions:
Lynch syndrome 5 (LYNCH5). Also called: Colorectal cancer, hereditary nonpolyposis, type 5; Hereditary non-polyposis colorectal cancer, type 5. Identifiers: Orphanet 144, MedGen C1833477, MONDO:0013710, OMIM 614350. Disease mechanism: loss of function.

Submission:

Myriad Genetics, Inc.
Classification: Likely benign for Lynch syndrome 5. Last evaluated: 2025-01-07. Review status: criteria provided, single submitter. Criteria: Myriad Autosomal Dominant, Autosomal Recessive and X-Linked Classification Criteria (2023). Collection method: clinical testing. Allele origin: unknown.
Comment: This variant is considered likely benign. This variant is intronic and is not expected to impact mRNA splicing.

NM_000179.3(MSH6):c.3557-6T>C

Gene: MSH6 (mutS homolog 6; plus strand). Cytogenetic location: 2p16.3.
Variant type: single nucleotide variant.
Coding change: c.3557-6T>C on transcript NM_000179.3 (MANE Select); 6 bases into the intron before coding-DNA position 3557, T replaced by C.
Molecular consequence: intron variant.
Genome position (GRCh38, 1-based): chr2:47,805,612, T>C. VCF-style: chr2-47805612-T-C. GRCh37 (hg19) VCF-style: chr2-48032751-T-C.
Other names: c.3557-6T>C (NM_001406809.1, NM_001406796.1, NM_001406808.1 and 1 more transcripts); c.2651-6T>C (NM_001406811.1, NM_001406814.1, NM_001281493.2 and 6 more transcripts); c.3260-6T>C (NM_001406805.1, NM_001406797.1, NM_001406801.1 and 10 more transcripts); c.3653-6T>C (NM_001406795.1, NM_001406802.1); c.3563-6T>C (NM_001406813.1); c.3032-6T>C (NM_001406807.1, NM_001406799.1, NM_001406806.1); c.3383-6T>C (NM_001406798.1); c.2693-6T>C (NM_001406803.1); and 7 more.
Identifiers: ClinVar variation 3903468 (VCV003903468.1).
Genomic context (GRCh38, chr2:47,805,612, plus strand): 5'-AGAAGATGAATTTATGTAATATGATTTGCAAAATGAGTATTCATTTGTGATTTTTTTTTT[T>C]TTAAGGTGAAAGTACATTTTTTGTTGAATTAAGTGAAACTGCCAGCATACTCATGCATGC-3'